The following is an entry in ClinVar:

ClinVar aggregate classification (germline): Benign/Likely benign. Review status: criteria provided, multiple submitters, no conflicts (2 of 4 stars). 3 submissions from 3 submitters: Benign (1); Likely benign (1). 1 of the submissions does not count toward it. Last evaluated 2025-08-04.

Conditions:
Inborn genetic diseases. Identifiers: MedGen C0950123, MeSH D030342.
DNAH2-related disorder. Also called: DNAH2-related condition.

Allele frequency attached by ClinVar (database versions not stated): gnomAD exomes 0.00094; ExAC 0.00118; gnomAD 0.00290; TOPMed 0.00329; ESP Exome Variant Server 0.00346; 1000 Genomes Project 30x 0.00375; 1000 Genomes Project 0.00399.
gnomAD v4.1: 1,038 of 1,614,190 alleles (0.064%); highest among the groups gnomAD compares: African/African-American, 1.1%; 7 homozygotes.

Submissions (3):

Ambry Genetics
Classification: Likely benign for Inborn genetic diseases. Last evaluated: 2025-08-04. Review status: criteria provided, single submitter. Criteria: Ambry Variant Classification Scheme 2023. Collection method: clinical testing. Allele origin: germline.

Labcorp Genetics (formerly Invitae), Labcorp
Classification: Benign. Last evaluated: 2018-01-25. Review status: criteria provided, single submitter. Criteria: Invitae Variant Classification Sherloc (09022015). Collection method: clinical testing. Allele origin: germline.

PreventionGenetics, part of Exact Sciences
Classification: Benign for DNAH2-related condition. Last evaluated: 2019-02-27. Review status: no assertion criteria provided. Collection method: clinical testing. Allele origin: germline. Not counted in ClinVar's aggregate classification.
Comment: This variant is classified as benign based on ACMG/AMP sequence variant interpretation guidelines (Richards et al. 2015 PMID: 25741868, with internal and published modifications).

NM_020877.5(DNAH2):c.3172G>A (p.Ala1058Thr)

Gene: DNAH2 (dynein axonemal heavy chain 2; plus strand). Cytogenetic location: 17p13.1.
Variant type: single nucleotide variant.
Coding change: c.3172G>A on transcript NM_020877.5 (MANE Select); coding-DNA position 3172, G replaced by A.
Protein change: p.Ala1058Thr; replaces alanine 1058 with threonine.
Molecular consequence: missense variant.
Genome position (GRCh38, 1-based): chr17:7,764,024, G>A. VCF-style: chr17-7764024-G-A. GRCh37 (hg19) VCF-style: chr17-7667342-G-A.
Other names: c.3172G>A (NM_020877.2); short protein forms A1058T.
Identifiers: ClinVar variation 782605 (VCV000782605.6), dbSNP rs113927997, ClinGen allele CA8356670.
Genomic context (GRCh38, chr17:7,764,024, plus strand): 5'-CTGCTCAGGGAGATGGCTGCTGGGCGCCTCCTGGAGCTGCACACCTACCTGAAGGAGAAC[G>A]CAGAGAAGTGCGGGCTGGGGCGCCCCACAGGAAGGGGGCAGGGGCAGGCACTGGGCCTTC-3'
Protein context (NP_065928.2, residues 1048-1068): LELHTYLKEN[Ala1058Thr]EKISRPPQTL